The following is an entry in ClinVar:

ClinVar aggregate classification (germline): Pathogenic/Likely pathogenic. Review status: criteria provided, multiple submitters, no conflicts (2 of 4 stars). 2 submissions from 2 submitters: Pathogenic (1); Likely pathogenic (1). Last evaluated 2025-09-02.

Conditions:
Deafness. Identifiers: MedGen C0011053.
Pendred syndrome (PDS). Also called: THYROID DYSHORMONOGENESIS 2B; THYROID HORMONOGENESIS, GENETIC DEFECT IN, 2B; Pendred's syndrome; DEAFNESS WITH GOITER; GOITER-DEAFNESS SYNDROME; HYPOTHYROIDISM, CONGENITAL, DUE TO DYSHORMONOGENESIS, 2B. Identifiers: Orphanet 705, MedGen C0271829, MONDO:0010134, OMIM 274600.

Submissions (2):

Women's Health and Genetics/Laboratory Corporation of America, LabCorp
Classification: Pathogenic for Pendred syndrome. Last evaluated: 2025-09-02. Review status: criteria provided, single submitter. Criteria: LabCorp Variant Classification Summary - May 2015. Collection method: clinical testing. Allele origin: germline.
Comment: Variant summary: SLC26A4 c.1150G>C (p.Glu384Gln) results in a conservative amino acid change in the encoded protein sequence. Algorithms developed to predict the effect of missense changes on protein structure and function are either unavailable or do not agree on the potential impact of this missense change. Consensus agreement among computation tools predict no significant impact on normal splicing. However, these predictions have yet to be confirmed by functional studies. The variant was absent in 251090 control chromosomes (gnomAD). c.1150G>C has been observed in individuals affected with clinical features of Pendred Syndrome (Chouchen_2020, Elsayed_2022). These data indicate that the variant is likely to be associated with disease. At least one publication reports experimental evidence evaluating an impact on protein function. The most pronounced variant effect results in <10% of normal activity (Takahashi_2024). The following publications have been ascertained in the context of this evaluation (PMID: 33199029, 36056583, 38474007). ClinVar contains an entry for this variant (Variation ID: 3384109). Based on the evidence outlined above, the variant was classified as pathogenic.

Dubai Health Genomic Medicine Center, Dubai Health
Classification: Likely pathogenic for Deafness. Last evaluated: 2024-10-04. Review status: criteria provided, single submitter. Criteria: ACMG Guidelines, 2015. Collection method: research. Allele origin: germline. Affected: yes.
Comment: PM3(moderate),PP1,PM2,PP3,PM5

Literature cited by the submitters: PubMed 33199029 (cited by Women's Health and Genetics/Laboratory Corporation of America, LabCorp); PubMed 38474007 (cited by Women's Health and Genetics/Laboratory Corporation of America, LabCorp); PubMed 36056583 (cited by Women's Health and Genetics/Laboratory Corporation of America, LabCorp).

NM_000441.2(SLC26A4):c.1150G>C (p.Glu384Gln)

Gene: SLC26A4 (solute carrier family 26 member 4; plus strand). Cytogenetic location: 7q22.3.
Variant type: single nucleotide variant.
Coding change: c.1150G>C on transcript NM_000441.2 (MANE Select); coding-DNA position 1150, G replaced by C.
Protein change: p.Glu384Gln; replaces glutamic acid 384 with glutamine.
Molecular consequence: missense variant.
Genome position (GRCh38, 1-based): chr7:107,690,124, G>C. VCF-style: chr7-107690124-G-C. GRCh37 (hg19) VCF-style: chr7-107330569-G-C.
Other names: short protein forms E384Q.
Identifiers: ClinVar variation 3384109 (VCV003384109.2).